The following is an entry in ClinVar:

ClinVar aggregate classification (germline): Uncertain significance (1 of 4 stars; one submission).

Conditions:
Idiopathic generalized epilepsy. Also called: EIG; Generalised epilepsy. Identifiers: MedGen C0270850, MONDO:0005579, OMIM 600669.
Hyperaldosteronism, familial, type IV (HALD4). Also called: FH IV; ALDOSTERONISM, PRIMARY, AND HYPERTENSION. Identifiers: Orphanet 642671, MedGen C4310756, MONDO:0014875, OMIM 617027.

Submission:

Labcorp Genetics (formerly Invitae), Labcorp
Classification: Uncertain significance for Idiopathic generalized epilepsy; Hyperaldosteronism, familial, type IV. Last evaluated: 2023-08-10. Review status: criteria provided, single submitter. Criteria: Invitae Variant Classification Sherloc (09022015). Collection method: clinical testing. Allele origin: germline.
Comment: In summary, the available evidence is currently insufficient to determine the role of this variant in disease. Therefore, it has been classified as a Variant of Uncertain Significance. Advanced modeling of protein sequence and biophysical properties (such as structural, functional, and spatial information, amino acid conservation, physicochemical variation, residue mobility, and thermodynamic stability) performed at Invitae indicates that this missense variant is not expected to disrupt CACNA1H protein function. This variant has not been reported in the literature in individuals affected with CACNA1H-related conditions. This variant is not present in population databases (gnomAD no frequency). This sequence change replaces tryptophan, which is neutral and slightly polar, with serine, which is neutral and polar, at codon 779 of the CACNA1H protein (p.Trp779Ser).

NM_021098.3(CACNA1H):c.2336G>C (p.Trp779Ser)

Gene: CACNA1H (calcium voltage-gated channel subunit alpha1 H; plus strand). Cytogenetic location: 16p13.3.
Variant type: single nucleotide variant.
Coding change: c.2336G>C on transcript NM_021098.3 (MANE Select); coding-DNA position 2336, G replaced by C.
Protein change: p.Trp779Ser; replaces tryptophan 779 with serine.
Molecular consequence: missense variant.
Genome position (GRCh38, 1-based): chr16:1,204,343, G>C. VCF-style: chr16-1204343-G-C. GRCh37 (hg19) VCF-style: chr16-1254343-G-C.
Other names: c.2336G>C, p.Trp779Ser (NM_001005407.2); short protein forms W779S.
Identifiers: ClinVar variation 2941470 (VCV002941470.3), dbSNP rs2548659883, ClinGen allele CA394166273.